The following is an entry in ClinVar:

NM_000321.3(RB1):c.1205C>T (p.Ser402Phe)

Gene: RB1 (RB transcriptional corepressor 1; plus strand). Cytogenetic location: 13q14.2.
Variant type: single nucleotide variant.
Coding change: c.1205C>T on transcript NM_000321.3 (MANE Select); coding-DNA position 1205, C replaced by T.
Protein change: p.Ser402Phe; replaces serine 402 with phenylalanine.
Molecular consequence: missense variant.
Genome position (GRCh38, 1-based): chr13:48,373,482, C>T. VCF-style: chr13-48373482-C-T. GRCh37 (hg19) VCF-style: chr13-48947618-C-T.
Other names: short protein forms S402F.
Identifiers: ClinVar variation 1476715 (VCV001476715.8), dbSNP rs2138131310, ClinGen allele CA388161672.

ClinVar aggregate classification (germline): Uncertain significance. Review status: criteria provided, multiple submitters, no conflicts (2 of 4 stars). 2 submissions from 2 submitters: Uncertain significance (2). Last evaluated 2025-10-13.

Conditions:
Hereditary cancer-predisposing syndrome. Also called: Neoplastic Syndromes, Hereditary; Hereditary Cancer Syndrome; Tumor predisposition; Hereditary neoplastic syndrome. Identifiers: Orphanet 140162, MedGen C0027672, MeSH D009386, MONDO:0015356.
Retinoblastoma (RB1). Also called: RETINOBLASTOMA, SOMATIC. Identifiers: Orphanet 790, MedGen C0035335, MeSH D012175, MONDO:0008380, OMIM 180200, HP:0009919. Disease mechanism: loss of function. Inheritance: Both sporadic and heritable forms are tested..

Submissions (2):

Labcorp Genetics (formerly Invitae), Labcorp
Classification: Uncertain significance for Retinoblastoma. Last evaluated: 2025-10-13. Review status: criteria provided, single submitter. Criteria: Invitae Variant Classification Sherloc (09022015). Collection method: clinical testing. Allele origin: germline.
Comment: This sequence change replaces serine, which is neutral and polar, with phenylalanine, which is neutral and non-polar, at codon 402 of the RB1 protein (p.Ser402Phe). This variant is not present in population databases (gnomAD no frequency). This variant has not been reported in the literature in individuals affected with RB1-related conditions. ClinVar contains an entry for this variant (Variation ID: 1476715). Invitae Evidence Modeling of protein sequence and biophysical properties (such as structural, functional, and spatial information, amino acid conservation, physicochemical variation, residue mobility, and thermodynamic stability) indicates that this missense variant is not expected to disrupt RB1 protein function with a negative predictive value of 80%. In summary, the available evidence is currently insufficient to determine the role of this variant in disease. Therefore, it has been classified as a Variant of Uncertain Significance.

Ambry Genetics
Classification: Uncertain significance for Hereditary cancer-predisposing syndrome. Last evaluated: 2022-05-12. Review status: criteria provided, single submitter. Criteria: Ambry Variant Classification Scheme 2023. Collection method: clinical testing. Allele origin: germline.
Comment: The p.S402F variant (also known as c.1205C>T), located in coding exon 12 of the RB1 gene, results from a C to T substitution at nucleotide position 1205. The serine at codon 402 is replaced by phenylalanine, an amino acid with highly dissimilar properties. This amino acid position is conserved. In addition, the in silico prediction for this alteration is inconclusive. Since supporting evidence is limited at this time, the clinical significance of this alteration remains unclear.